The following is an entry in ClinVar:

NM_003489.4(NRIP1):c.3455C>T (p.Thr1152Met)

Gene: NRIP1 (nuclear receptor interacting protein 1; minus strand). Cytogenetic location: 21q11.2.
Variant type: single nucleotide variant.
Coding change: c.3455C>T on transcript NM_003489.4 (MANE Select); coding-DNA position 3455, C replaced by T.
Protein change: p.Thr1152Met; replaces threonine 1152 with methionine.
Molecular consequence: missense variant.
Genome position (GRCh38, 1-based): chr21:14,964,738, G>A on the plus strand (C>T on the coding strand, the complement: NRIP1 is on the minus strand). VCF-style: chr21-14964738-G-A. GRCh37 (hg19) VCF-style: chr21-16337059-G-A.
Other names: short protein forms T1152M.
Identifiers: ClinVar variation 734220 (VCV000734220.25), dbSNP rs148814531, ClinGen allele CA9980948.

ClinVar aggregate classification (germline): Likely benign. Review status: criteria provided, multiple submitters, no conflicts (2 of 4 stars). 5 submissions from 5 submitters: Likely benign (4). 1 of the submissions does not count toward it. Last evaluated 2025-07-15.

Conditions:
NRIP1-related disorder. Also called: NRIP1-related condition.
Congenital anomalies of kidney and urinary tract 3. Identifiers: MedGen C4748921, MONDO:0032646, OMIM 618270.

Allele frequency attached by ClinVar (database versions not stated): gnomAD exomes 0.00019 and 0.00050; ExAC 0.00052; gnomAD 0.00119 and 0.00125; TOPMed 0.00131; ESP Exome Variant Server 0.00154; 1000 Genomes Project 0.00200; 1000 Genomes Project 30x 0.00203.

Submissions (5):

Labcorp Genetics (formerly Invitae), Labcorp
Classification: Likely benign. Last evaluated: 2025-07-15. Review status: criteria provided, single submitter. Criteria: Invitae Variant Classification Sherloc (09022015). Collection method: clinical testing. Allele origin: germline.

CeGaT Center for Human Genetics Tuebingen
Classification: Likely benign. Last evaluated: 2024-12-01. Review status: criteria provided, single submitter. Criteria: CeGaT Center For Human Genetics Tuebingen Variant Classification Criteria Version 2. Collection method: clinical testing. Allele origin: germline. Affected: yes. Observed: 1 variant allele.
Comment: NRIP1: BP4

Johns Hopkins Genomics, Johns Hopkins University
Classification: Likely benign for Congenital anomalies of kidney and urinary tract 3. Last evaluated: 2020-12-17. Review status: criteria provided, single submitter. Criteria: ACMG Guidelines, 2015. Collection method: clinical testing. Allele origin: germline.

Breakthrough Genomics
Classification: Likely benign. Review status: criteria provided, single submitter. Criteria: ACMG Guidelines, 2015. Collection method: not provided. Allele origin: germline. Inheritance: Autosomal dominant inheritance. Affected: yes.

PreventionGenetics, part of Exact Sciences
Classification: Benign for NRIP1-related condition. Last evaluated: 2019-12-09. Review status: no assertion criteria provided. Collection method: clinical testing. Allele origin: germline. Not counted in ClinVar's aggregate classification.
Comment: This variant is classified as benign based on ACMG/AMP sequence variant interpretation guidelines (Richards et al. 2015 PMID: 25741868, with internal and published modifications).

Literature cited by the submitters: PubMed 28381549 (cited by Johns Hopkins Genomics, Johns Hopkins University).